The following is an entry in ClinVar:

ClinVar aggregate classification (germline): Uncertain significance (1 of 4 stars; one submission).

Conditions:
Hypertrophic cardiomyopathy. Also called: HYPERTROPHIC MYOCARDIOPATHY. Identifiers: Orphanet 217569, MedGen C0007194, MeSH D002312, MONDO:0005045, HP:0001639.

gnomAD v4.1: 1 of 1,611,888 alleles (0.000062%); no homozygotes.

Submission:

Labcorp Genetics (formerly Invitae), Labcorp
Classification: Uncertain significance for Hypertrophic cardiomyopathy. Last evaluated: 2020-06-08. Review status: criteria provided, single submitter. Criteria: Invitae Variant Classification Sherloc (09022015). Collection method: clinical testing. Allele origin: germline.
Comment: This variant is not present in population databases (ExAC no frequency). This sequence change replaces valine with isoleucine at codon 188 of the MYOZ2 protein (p.Val188Ile). The valine residue is highly conserved and there is a small physicochemical difference between valine and isoleucine. This variant has not been reported in the literature in individuals with MYOZ2-related conditions. Algorithms developed to predict the effect of missense changes on protein structure and function are either unavailable or do not agree on the potential impact of this missense change (SIFT: "Tolerated"; PolyPhen-2: "Probably Damaging"; Align-GVGD: "Class C0"). In summary, the available evidence is currently insufficient to determine the role of this variant in disease. Therefore, it has been classified as a Variant of Uncertain Significance.

NM_016599.5(MYOZ2):c.562G>A (p.Val188Ile)

Gene: MYOZ2 (myozenin 2; plus strand). Cytogenetic location: 4q26.
Variant type: single nucleotide variant.
Coding change: c.562G>A on transcript NM_016599.5 (MANE Select); coding-DNA position 562, G replaced by A.
Protein change: p.Val188Ile; replaces valine 188 with isoleucine.
Molecular consequence: missense variant.
Genome position (GRCh38, 1-based): chr4:119,185,967, G>A. VCF-style: chr4-119185967-G-A. GRCh37 (hg19) VCF-style: chr4-120107122-G-A.
Other names: short protein forms V188I.
Identifiers: ClinVar variation 1056041 (VCV001056041.5), dbSNP rs2149230757, ClinGen allele CA358201328.